The following is an entry in ClinVar:

NM_014208.3(DSPP):c.905A>G (p.Lys302Arg)

Genes: DMP1-AS1 (DMP1 and DSPP antisense RNA 1; minus strand), DSPP (dentin sialophosphoprotein; plus strand). Cytogenetic location: 4q22.1.
Variant type: single nucleotide variant.
Coding change: c.905A>G on transcript NM_014208.3 (MANE Select); coding-DNA position 905, A replaced by G.
Protein change: p.Lys302Arg; replaces lysine 302 with arginine.
Molecular consequence: missense variant.
Genome position (GRCh38, 1-based): chr4:87,613,091, A>G. VCF-style: chr4-87613091-A-G. GRCh37 (hg19) VCF-style: chr4-88534243-A-G.
Other names: short protein forms K302R.
Identifiers: ClinVar variation 4690158 (VCV004690158.1).

ClinVar aggregate classification (germline): Uncertain significance (1 of 4 stars; one submission).

Submission:

GeneDx
Classification: Uncertain significance. Last evaluated: 2025-08-02. Review status: criteria provided, single submitter. Criteria: GeneDx Variant Classification Process June 2021. Collection method: clinical testing. Allele origin: germline. Affected: yes.
Comment: Not observed at significant frequency in large population cohorts (gnomAD); In silico analysis suggests that this missense variant does not alter protein structure/function; Has not been previously published as pathogenic or benign to our knowledge